The following is an entry in ClinVar:

ClinVar aggregate classification (germline): Uncertain significance (1 of 4 stars; one submission).

Conditions:
Familial acute necrotizing encephalopathy (IIAE3). Also called: ENCEPHALOPATHY, ACUTE, INFECTION-INDUCED, SUSCEPTIBILITY TO, 3; Susceptibility to Acute Necrotizing Encephalopathy 1. Identifiers: Orphanet 88619, MedGen C2675556, MONDO:0011953, OMIM 608033.

Submission:

Labcorp Genetics (formerly Invitae), Labcorp
Classification: Uncertain significance for Familial acute necrotizing encephalopathy. Last evaluated: 2022-06-04. Review status: criteria provided, single submitter. Criteria: Invitae Variant Classification Sherloc (09022015). Collection method: clinical testing. Allele origin: germline.
Comment: Algorithms developed to predict the effect of missense changes on protein structure and function (SIFT, PolyPhen-2, Align-GVGD) all suggest that this variant is likely to be disruptive. In summary, the available evidence is currently insufficient to determine the role of this variant in disease. Therefore, it has been classified as a Variant of Uncertain Significance. ClinVar contains an entry for this variant (Variation ID: 855945). This sequence change replaces aspartic acid, which is acidic and polar, with valine, which is neutral and non-polar, at codon 2631 of the RANBP2 protein (p.Asp2631Val). This variant is not present in population databases (gnomAD no frequency). This variant has not been reported in the literature in individuals affected with RANBP2-related conditions.

NM_006267.5(RANBP2):c.7892A>T (p.Asp2631Val)

Gene: RANBP2 (RAN binding protein 2; plus strand). Cytogenetic location: 2q13.
Variant type: single nucleotide variant.
Coding change: c.7892A>T on transcript NM_006267.5 (MANE Select); coding-DNA position 7892, A replaced by T.
Protein change: p.Asp2631Val; replaces aspartic acid 2631 with valine.
Molecular consequence: missense variant.
Genome position (GRCh38, 1-based): chr2:108,771,743, A>T. VCF-style: chr2-108771743-A-T. GRCh37 (hg19) VCF-style: chr2-109388199-A-T.
Other names: short protein forms D2631V.
Identifiers: ClinVar variation 855945 (VCV000855945.10), dbSNP rs1677511241, ClinGen allele CA348082153.